The following is an entry in ClinVar:

ClinVar aggregate classification (germline): Likely pathogenic (1 of 4 stars; one submission).

Conditions:
Glycogen storage disease, type VI (GSD6). Also called: Glycogen storage disease type 6; Hepatic glycogen phosphorylase deficiency; HERS DISEASE; PHOSPHORYLASE DEFICIENCY GLYCOGEN-STORAGE DISEASE OF LIVER; Glycogen storage disease type 6, due to phosphorylation; GSD VI. Identifiers: Orphanet 369, MedGen C0017925, MONDO:0009294, OMIM 232700.

Allele frequency attached by ClinVar (database versions not stated): gnomAD exomes below 0.00001.
gnomAD v4.1: 1 of 1,614,138 alleles (0.000062%); highest among the groups gnomAD compares: Non-Finnish European, 0.000085%; no homozygotes.

Submission:

Centre for Mendelian Genomics, University Medical Centre Ljubljana
Classification: Likely pathogenic for Glycogen storage disease, type VI. Last evaluated: 2019-06-24. Review status: criteria provided, single submitter. Criteria: ACMG Guidelines, 2015. Collection method: clinical testing. Allele origin: unknown. Affected: yes.
Comment: This variant was classified as: Likely pathogenic. The following ACMG criteria were applied in classifying this variant: PVS1,PM2.

NM_002863.5(PYGL):c.2177+2T>C

Gene: PYGL (glycogen phosphorylase L; minus strand). Cytogenetic location: 14q22.1.
Variant type: single nucleotide variant.
Coding change: c.2177+2T>C on transcript NM_002863.5 (MANE Select); the canonical splice donor site of the intron after coding-DNA position 2177, T replaced by C.
Molecular consequence: splice donor variant.
Genome position (GRCh38, 1-based): chr14:50,909,893, A>G on the plus strand (T>C on the coding strand, the complement: PYGL is on the minus strand). VCF-style: chr14-50909893-A-G. GRCh37 (hg19) VCF-style: chr14-51376611-A-G.
Other names: c.2075+2T>C (NM_001163940.2).
Identifiers: ClinVar variation 932090 (VCV000932090.3), dbSNP rs1368182301, ClinGen allele CA389681901.
Genomic context (GRCh38, chr14:50,909,893, plus strand): 5'-GGTCACATACCTTCTAGGGGGGAGGGGCAGTCCTGCCTAGCAAAGAGAAGCTATTCTCTT[A>G]CCCTTTCTTGTCCAAAGCAGCCACATCATCTATCCTCATGCCAAAGATGAACAGGTTCTC-3'